The following is an entry in ClinVar:

ClinVar aggregate classification (germline): Likely benign. Review status: criteria provided, multiple submitters, no conflicts (2 of 4 stars). 3 submissions from 3 submitters: Likely benign (2). 1 of the submissions does not count toward it. Last evaluated 2025-12-02.

Conditions:
TRIP13-related disorder. Also called: TRIP13-related condition.

Allele frequency attached by ClinVar (database versions not stated): gnomAD exomes 0.00015 and 0.00036; ExAC 0.00045; 1000 Genomes Project 30x 0.00094; 1000 Genomes Project 0.00120; gnomAD 0.00123 and 0.00134; TOPMed 0.00137; ESP Exome Variant Server 0.00161.
gnomAD v4.1: 410 of 1,613,982 alleles (0.025%); highest among the groups gnomAD compares: African/African-American, 0.43%; no homozygotes.

Submissions (3):

Labcorp Genetics (formerly Invitae), Labcorp
Classification: Likely benign. Last evaluated: 2025-12-02. Review status: criteria provided, single submitter. Criteria: Invitae Variant Classification Sherloc (09022015). Collection method: clinical testing. Allele origin: germline.

Blueprint Genetics
Classification: Likely benign. Last evaluated: 2024-11-08. Review status: criteria provided, single submitter. Criteria: ACMG Guidelines, 2015. Collection method: clinical testing. Allele origin: germline.

PreventionGenetics, part of Exact Sciences
Classification: Likely benign for TRIP13-related condition. Last evaluated: 2022-07-26. Review status: no assertion criteria provided. Collection method: clinical testing. Allele origin: germline. Not counted in ClinVar's aggregate classification.
Comment: This variant is classified as likely benign based on ACMG/AMP sequence variant interpretation guidelines (Richards et al. 2015 PMID: 25741868, with internal and published modifications).

NM_004237.4(TRIP13):c.614G>A (p.Arg205Gln)

Gene: TRIP13 (thyroid hormone receptor interactor 13; plus strand). Cytogenetic location: 5p15.33.
Variant type: single nucleotide variant.
Coding change: c.614G>A on transcript NM_004237.4 (MANE Select); coding-DNA position 614, G replaced by A.
Protein change: p.Arg205Gln; replaces arginine 205 with glutamine.
Molecular consequence: missense variant.
Genome position (GRCh38, 1-based): chr5:907,135, G>A. VCF-style: chr5-907135-G-A. GRCh37 (hg19) VCF-style: chr5-907250-G-A.
Other names: c.614G>A, p.Arg205Gln (NM_001166260.2); short protein forms R205Q.
Identifiers: ClinVar variation 790007 (VCV000790007.9), dbSNP rs149881196, ClinGen allele CA3179930.